The following is an entry in ClinVar:

NM_001164665.2(KIAA1549):c.5636C>T (p.Pro1879Leu)

Gene: KIAA1549 (KIAA1549; minus strand). Cytogenetic location: 7q34.
Variant type: single nucleotide variant.
Coding change: c.5636C>T on transcript NM_001164665.2 (MANE Select); coding-DNA position 5636, C replaced by T.
Protein change: p.Pro1879Leu; replaces proline 1879 with leucine.
Molecular consequence: missense variant. On other transcripts: intron variant (1).
Genome position (GRCh38, 1-based): chr7:138,838,123, G>A on the plus strand (C>T on the coding strand, the complement: KIAA1549 is on the minus strand). VCF-style: chr7-138838123-G-A. GRCh37 (hg19) VCF-style: chr7-138522868-G-A.
Other names: c.5599-11C>T (NM_020910.3); short protein forms P1879L.
Identifiers: ClinVar variation 861518 (VCV000861518.8), dbSNP rs770391646, ClinGen allele CA4505497.

ClinVar aggregate classification (germline): Uncertain significance. Review status: criteria provided, multiple submitters, no conflicts (2 of 4 stars). 2 submissions from 2 submitters: Uncertain significance (2). Last evaluated 2024-04-18.

Allele frequency attached by ClinVar (database versions not stated): gnomAD 0.00004; ExAC 0.00005; gnomAD exomes 0.00007; TOPMed 0.00010.
gnomAD v4.1: 44 of 1,527,382 alleles (0.0029%); highest among the groups gnomAD compares: East Asian, 0.033%; 1 homozygote.

Submissions (2):

Blueprint Genetics
Classification: Uncertain significance. Last evaluated: 2024-04-18. Review status: criteria provided, single submitter. Criteria: ACMG Guidelines, 2015. Collection method: clinical testing. Allele origin: germline.

Labcorp Genetics (formerly Invitae), Labcorp
Classification: Uncertain significance. Last evaluated: 2022-10-13. Review status: criteria provided, single submitter. Criteria: Invitae Variant Classification Sherloc (09022015). Collection method: clinical testing. Allele origin: germline.
Comment: This sequence change replaces proline, which is neutral and non-polar, with leucine, which is neutral and non-polar, at codon 1879 of the KIAA1549 protein (p.Pro1879Leu). This variant is present in population databases (rs770391646, gnomAD 0.06%). This missense change has been observed in individual(s) with retinitis pigmentosa (PMID: 28512305). ClinVar contains an entry for this variant (Variation ID: 861518). Algorithms developed to predict the effect of missense changes on protein structure and function are either unavailable or do not agree on the potential impact of this missense change (SIFT: "Deleterious"; PolyPhen-2: "Possibly Damaging"; Align-GVGD: "Class C0"). Algorithms developed to predict the effect of sequence changes on RNA splicing suggest that this variant may disrupt the consensus splice site. In summary, the available evidence is currently insufficient to determine the role of this variant in disease. Therefore, it has been classified as a Variant of Uncertain Significance.

Literature cited by the submitters: PubMed 28512305 (cited by Labcorp Genetics (formerly Invitae), Labcorp).